The following is an entry in ClinVar:

ClinVar aggregate classification (germline): Likely benign. Review status: criteria provided, multiple submitters, no conflicts (2 of 4 stars). 2 submissions from 2 submitters: Likely benign (2). Last evaluated 2025-09-21.

Conditions:
FLI1-related disorder. Also called: FLI1-related condition.

Allele frequency attached by ClinVar (database versions not stated): TOPMed 0.00005; gnomAD exomes 0.00015; 1000 Genomes Project 30x 0.00016; gnomAD 0.00016; ExAC 0.00047.
gnomAD v4.1: 241 of 1,613,340 alleles (0.015%); highest among the groups gnomAD compares: South Asian, 0.096%; no homozygotes.

Submissions (2):

Labcorp Genetics (formerly Invitae), Labcorp
Classification: Likely benign. Last evaluated: 2025-09-21. Review status: criteria provided, single submitter. Criteria: Invitae Variant Classification Sherloc (09022015). Collection method: clinical testing. Allele origin: germline.

PreventionGenetics, part of Exact Sciences
Classification: Likely benign for FLI1-related condition. Last evaluated: 2025-02-13. Review status: criteria provided, single submitter. Criteria: ACMG Guidelines, 2015. Collection method: clinical testing. Allele origin: germline.
Comment: This variant is classified as likely benign based on ACMG/AMP sequence variant interpretation guidelines (Richards et al. 2015 PMID: 25741868, with internal and published modifications).

NM_002017.5(FLI1):c.96C>T (p.Ala32=)

Gene: FLI1 (Fli-1 proto-oncogene, ETS transcription factor; plus strand). Cytogenetic location: 11q24.3.
Variant type: single nucleotide variant.
Coding change: c.96C>T on transcript NM_002017.5 (MANE Select); coding-DNA position 96, C replaced by T.
Protein change: p.Ala32=; no amino-acid change (alanine 32 retained).
Molecular consequence: synonymous variant. On other transcripts: 5 prime UTR variant (3).
Genome position (GRCh38, 1-based): chr11:128,758,192, C>T. VCF-style: chr11-128758192-C-T. GRCh37 (hg19) VCF-style: chr11-128628087-C-T.
Other names: c.-4C>T (NM_001167681.3); c.-274C>T (NM_001271010.2); c.-125C>T (NM_001271012.2); c.96C>T (NM_002017.4).
Identifiers: ClinVar variation 2893151 (VCV002893151.4), dbSNP rs539499213, ClinGen allele CA6356934.
Genomic context (GRCh38, chr11:128,758,192, plus strand): 5'-GAGCGACGACCAGTCCCTCTTTGACTCAGCGTACGGAGCGGCAGCCCATCTCCCCAAGGC[C>T]GACATGACTGCCTCGGGGAGTCCTGACTACGGGCAGCCCCACAAGATCAACCCCCTCCCA-3'
Protein context (NP_002008.2, residues 22-42): AYGAAAHLPK[Ala32=]DMTASGSPDY